The following is an entry in ClinVar:

NM_001372044.2(SHANK3):c.3989_4001del (p.Arg1330fs)

Gene: SHANK3 (SH3 and multiple ankyrin repeat domains 3; plus strand). Cytogenetic location: 22q13.33.
Variant type: Deletion.
Coding change: c.3989_4001del on transcript NM_001372044.2 (MANE Select); coding-DNA positions 3989 to 4001, 13 bases deleted (GGGCCCAGCCCCC).
Protein change: p.Arg1330fs; shifts the reading frame from arginine 1330.
Molecular consequence: frameshift variant.
Genome position (GRCh38, 1-based): chr22:50,721,597-50,721,609, GGGCCCAGCCCCC deleted; deleting any 13 consecutive bases within chr22:50,721,586-50,721,609 gives the same sequence; the c. name uses the placement nearest the transcript's 3' end. VCF-style (leftmost placement, unchanged base first): chr22-50721585-TGCCCAGCCCCCGG-T. GRCh37 (hg19) VCF-style: chr22-51160013-TGCCCAGCCCCCGG-T.
Other names: NM_001080420.1:c.3812_3824del; c.3764_3776del13 (NM_033517.1); c.3989_4001del (NM_001372044.1); c.3764_3776del, p.Arg1255fs (NM_033517.1); c.3764_3776delGGGCCCAGCCCCC, p.Arg1255Leufs (NM_033517.1); short protein forms R1255fs, R1330fs.
Identifiers: ClinVar variation 279892 (VCV000279892.60), dbSNP rs886041238, ClinGen allele CA10603393.

ClinVar aggregate classification (germline): Pathogenic. Review status: criteria provided, multiple submitters, no conflicts (2 of 4 stars). 12 submissions from 12 submitters: Pathogenic (11). 1 of the submissions does not count toward it. Last evaluated 2026-09-01.

Conditions:
SHANK3-related disorder. Also called: SHANK3-related condition.
Inborn genetic diseases. Identifiers: MedGen C0950123, MeSH D030342.
Phelan-McDermid syndrome. Also called: Phelan-McDermid Syndrome-SHANK3 Related; TELOMERIC 22q13 MONOSOMY SYNDROME; 22q13.3 deletion syndrome. Identifiers: Orphanet 48652, MedGen C1853490, MONDO:0011652, OMIM 606232.
Intellectual disability. Also called: intellectual disabilities; Intellectual functioning disability; Intellectual developmental disorder. Identifiers: MedGen C3714756, MeSH D008607, MONDO:0001071, HP:0001249.

Submissions (12):

CeGaT Center for Human Genetics Tuebingen
Classification: Pathogenic. Last evaluated: 2026-09-01. Review status: criteria provided, single submitter. Criteria: CeGaT Center For Human Genetics Tuebingen Variant Classification Criteria Version 2. Collection method: clinical testing. Allele origin: germline. Affected: yes. Observed: 2 variant alleles.
Comment: SHANK3: PVS1, PS2, PS4, PM2

Institute of Human Genetics, University of Leipzig Medical Center
Classification: Pathogenic for Phelan-McDermid syndrome. Last evaluated: 2025-03-04. Review status: criteria provided, single submitter. Criteria: ACMG Guidelines, 2015. Collection method: clinical testing. Allele origin: unknown. Inheritance: Autosomal dominant inheritance. Affected: yes.
Comment: Criteria applied: PVS1,PS4_MOD,PM2

Greenwood Genetic Center Diagnostic Laboratories, Greenwood Genetic Center
Classification: Pathogenic for Phelan-McDermid syndrome. Last evaluated: 2024-09-09. Review status: criteria provided, single submitter. Criteria: ACMG Guidelines, 2015. Collection method: clinical testing. Allele origin: germline. Affected: yes.
Comment: PVS1, PS2, PM2

Blueprint Genetics
Classification: Pathogenic for SHANK3-related disorders. Last evaluated: 2023-03-24. Review status: criteria provided, single submitter. Criteria: ACMG Guidelines, 2015. Collection method: clinical testing. Allele origin: de novo. Affected: yes. Observed: 1 variant allele.

Centre of Medical Genetics, University Hospital Muenster
Classification: Pathogenic. Last evaluated: 2022-12-05. Review status: criteria provided, single submitter. Criteria: ACMG Guidelines, 2015. Collection method: clinical testing. Allele origin: unknown. Affected: yes. Observed: 1 variant allele, 1 heterozygote.
Comment: ACMG categories: PVS1,PS5,PP5

GeneDx
Classification: Pathogenic. Last evaluated: 2022-06-09. Review status: criteria provided, single submitter. Criteria: GeneDx Variant Classification Process June 2021. Collection method: clinical testing. Allele origin: germline. Affected: yes.
Comment: Frameshift variant predicted to result in protein truncation or nonsense mediated decay in a gene for which loss-of-function is a known mechanism of disease; Not observed at significant frequency in large population cohorts (gnomAD); This variant is associated with the following publications: (PMID: 25188300, 29719671, 28135719)

Institute of Medical Genetics and Applied Genomics, University Hospital Tübingen
Classification: Pathogenic. Last evaluated: 2020-10-23. Review status: criteria provided, single submitter. Criteria: ACMG Guidelines, 2015. Collection method: clinical testing. Allele origin: germline. Inheritance: Unknown mechanism. Affected: yes.

Diagnostic Laboratory, Strasbourg University Hospital
Classification: Pathogenic for Intellectual disability. Last evaluated: 2020-04-20. Review status: criteria provided, single submitter. Criteria: ACMG Guidelines, 2015. Collection method: clinical testing. Allele origin: de novo. Inheritance: Autosomal dominant inheritance. Affected: yes. Observed: 1 heterozygote.

Ambry Genetics
Classification: Pathogenic for Inborn genetic diseases. Last evaluated: 2020-01-27. Review status: criteria provided, single submitter. Criteria: Ambry Variant Classification Scheme 2023. Collection method: clinical testing. Allele origin: germline.
Comment: The alteration results in a premature stop codon: _x000D_ _x000D_ The c.3764_3776del13 (p.R1255Lfs*25) alteration, located in coding exon 21 of the SHANK3 gene, results from a deletion of 13 nucleotides from position 3764 to 3776, causing a translational frameshift with a predicted alternate stop codon after 25 amino acids. This alteration is expected to result in loss of function by premature protein truncation or nonsense-mediated mRNA decay. The alteration has been observed in affected individuals: _x000D_ _x000D_ The alteration has been reported as a de novo occurrence in individuals with a diagnosis of, or features consistent with, Phelan-McDermid Syndrome (De Rubeis, 2018; Leblond, 2014), as well as in an individual with an unspecified developmental disorder (Deciphering Developmental Disorders Study, 2017). Based on the available evidence, this alteration is classified as pathogenic.

Institute for Genomic Medicine (IGM) Clinical Laboratory, Nationwide Children's Hospital
Classification: Pathogenic for Phelan-McDermid syndrome. Last evaluated: 2019-01-17. Review status: criteria provided, single submitter. Criteria: ACMG Guidelines, 2015. Collection method: clinical testing. Allele origin: germline. Affected: yes.
Comment: [ACMG/AMP: PVS1, PS2, PM2] This alteration is a null variant in a gene where LOF is a known mechanism of disease [PVS1], is de novo in origin as it was not detected in the submitted parental specimens (identity confirmed) [PS2], is absent from or rarely observed in large-scale population databases [PM2].

Rady Children's Institute for Genomic Medicine, Rady Children's Hospital San Diego
Classification: Pathogenic for PHELAN-MCDERMID SYNDROME. Review status: criteria provided, single submitter. Criteria: ACMG Guidelines, 2015. Collection method: clinical testing. Allele origin: germline. Affected: yes. Study: CSER-NYCKidSeq.
Comment: This nonsense variant found in exon 21 of 22 is predicted to result in loss of normal protein function through either protein truncation or nonsense-mediated mRNA decay (NMD). De novo deletions, of a similar size to the one identified in this individual, have been previously reported in individuals affected with Phelan McDermid syndrome (PMID: 29719671, 25188300, 28135719). It is absent from the gnomAD population database and thus is presumed to be rare. Analysis of the parental samples was negative for the variant, indicating this variant likely occurred as a de novo event. Based on the available evidence, the c.3812_3824del (p.Arg1271LeufsTer25) variant is classified as Pathogenic.

Molecular Genetics laboratory, Necker Hospital
Classification: Pathogenic. Last evaluated: 2021-04-20. Review status: no assertion criteria provided. Collection method: clinical testing. Allele origin: de novo. Affected: yes. Not counted in ClinVar's aggregate classification.

Literature cited by the submitters: PubMed 25188300 (cited by Ambry Genetics); PubMed 28135719 (cited by Ambry Genetics); PubMed 29719671 (cited by Ambry Genetics).